The following is an entry in ClinVar:

ClinVar aggregate classification (germline): Uncertain significance (1 of 4 stars; one submission).

Allele frequency attached by ClinVar (database versions not stated): TOPMed 0.00002; ExAC 0.00003; gnomAD 0.00003; gnomAD exomes 0.00004.
gnomAD v4.1: 65 of 1,607,552 alleles (0.004%); highest among the groups gnomAD compares: Non-Finnish European, 0.0051%; no homozygotes.

Submission:

Labcorp Genetics (formerly Invitae), Labcorp
Classification: Uncertain significance. Last evaluated: 2023-07-07. Review status: criteria provided, single submitter. Criteria: Invitae Variant Classification Sherloc (09022015). Collection method: clinical testing. Allele origin: germline.
Comment: This sequence change replaces threonine, which is neutral and polar, with methionine, which is neutral and non-polar, at codon 110 of the TAX1BP3 protein (p.Thr110Met). This variant is present in population databases (rs772867295, gnomAD 0.004%). This variant has not been reported in the literature in individuals affected with TAX1BP3-related conditions. An algorithm developed to predict the effect of missense changes on protein structure and function (PolyPhen-2) suggests that this variant is likely to be disruptive. In summary, the available evidence is currently insufficient to determine the role of this variant in disease. Therefore, it has been classified as a Variant of Uncertain Significance.

NM_014604.4(TAX1BP3):c.329C>T (p.Thr110Met)

Genes: P2RX5-TAX1BP3 (P2RX5-TAX1BP3 readthrough (NMD candidate); minus strand), TAX1BP3 (Tax1 binding protein 3; minus strand). Cytogenetic location: 17p13.2.
Variant type: single nucleotide variant.
Coding change: c.329C>T on transcript NM_014604.4 (MANE Select); coding-DNA position 329, C replaced by T.
Protein change: p.Thr110Met; replaces threonine 110 with methionine.
Molecular consequence: missense variant. On other transcripts: non-coding transcript variant (1).
Genome position (GRCh38, 1-based): chr17:3,663,794, G>A on the plus strand (C>T on the coding strand, the complement: TAX1BP3 is on the minus strand). VCF-style: chr17-3663794-G-A. GRCh37 (hg19) VCF-style: chr17-3567088-G-A.
Other names: c.251C>T, p.Thr84Met (NM_001204698.2); short protein forms T110M, T84M.
Identifiers: ClinVar variation 2843151 (VCV002843151.3), dbSNP rs772867295, ClinGen allele CA8292138.